The following is an entry in ClinVar:

ClinVar aggregate classification (germline): Likely benign (0 of 4 stars; one submission).

Conditions:
AKT3-related disorder. Also called: AKT3-related condition.

Allele frequency attached by ClinVar (database versions not stated): gnomAD 0.00001; TOPMed 0.00002; ExAC 0.00003; gnomAD exomes 0.00005.
gnomAD v4.1: 67 of 1,607,886 alleles (0.0042%); highest among the groups gnomAD compares: Non-Finnish European, 0.0055%; no homozygotes.

Submission:

PreventionGenetics, part of Exact Sciences
Classification: Likely benign for AKT3-related condition. Last evaluated: 2019-07-25. Review status: no assertion criteria provided. Collection method: clinical testing. Allele origin: germline.
Comment: This variant is classified as likely benign based on ACMG/AMP sequence variant interpretation guidelines (Richards et al. 2015 PMID: 25741868, with internal and published modifications).

NM_005465.7(AKT3):c.522T>C (p.Tyr174=)

Gene: AKT3 (AKT serine/threonine kinase 3; minus strand). Cytogenetic location: 1q44.
Variant type: single nucleotide variant.
Coding change: c.522T>C on transcript NM_005465.7 (MANE Select); coding-DNA position 522, T replaced by C.
Protein change: p.Tyr174=; no amino-acid change (tyrosine 174 retained).
Molecular consequence: synonymous variant.
Genome position (GRCh38, 1-based): chr1:243,637,650, A>G on the plus strand (T>C on the coding strand, the complement: AKT3 is on the minus strand). VCF-style: chr1-243637650-A-G. GRCh37 (hg19) VCF-style: chr1-243800952-A-G.
Other names: c.522T>C, p.Tyr174= (NM_001206729.2, NM_001370074.1, NM_181690.2).
Identifiers: ClinVar variation 3050558 (VCV003050558.2), dbSNP rs766072665, ClinGen allele CA1484102.